The following is an entry in ClinVar:

ClinVar aggregate classification (germline): Benign/Likely benign. Review status: criteria provided, multiple submitters, no conflicts (2 of 4 stars). 3 submissions from 3 submitters: Benign (1); Likely benign (2). Last evaluated 2025-02-27.

Conditions:
Multiple endocrine neoplasia, type 2 (MEN2). Identifiers: Orphanet 653, MedGen C4048306, MONDO:0019003. Disease mechanism: gain of function.
Multiple endocrine neoplasia type 2A. Also called: MULTIPLE ENDOCRINE NEOPLASIA, TYPE IIA; PTC SYNDROME; SIPPLE SYNDROME; MEN 2A; MEN-2A syndrome; Pheochromocytoma and amyloid producing medullary thyroid carcinoma. Identifiers: Orphanet 247698, Orphanet 653, MedGen C0025268, MeSH D018813, MONDO:0008234, OMIM 171400.
Hereditary cancer-predisposing syndrome. Also called: Tumor predisposition; Neoplastic Syndromes, Hereditary; Hereditary Cancer Syndrome; Hereditary neoplastic syndrome. Identifiers: Orphanet 140162, MedGen C0027672, MeSH D009386, MONDO:0015356.

Submissions (3):

Myriad Genetics, Inc.
Classification: Benign for Multiple endocrine neoplasia type 2A. Last evaluated: 2025-02-27. Review status: criteria provided, single submitter. Criteria: Myriad Autosomal Dominant, Autosomal Recessive and X-Linked Classification Criteria (2023). Collection method: clinical testing. Allele origin: unknown.
Comment: This variant is considered benign. This variant is a silent/synonymous amino acid change and it is not expected to impact splicing.

Labcorp Genetics (formerly Invitae), Labcorp
Classification: Likely benign for Multiple endocrine neoplasia, type 2. Last evaluated: 2024-04-29. Review status: criteria provided, single submitter. Criteria: Invitae Variant Classification Sherloc (09022015). Collection method: clinical testing. Allele origin: germline.

Ambry Genetics
Classification: Likely benign for Hereditary cancer-predisposing syndrome. Last evaluated: 2020-01-24. Review status: criteria provided, single submitter. Criteria: Ambry Variant Classification Scheme 2023. Collection method: clinical testing. Allele origin: germline.

NM_020975.6(RET):c.2655G>A (p.Gly885=)

Gene: RET (ret proto-oncogene; plus strand). Cytogenetic location: 10q11.21.
Variant type: single nucleotide variant.
Coding change: c.2655G>A on transcript NM_020975.6 (MANE Select); coding-DNA position 2655, G replaced by A.
Protein change: p.Gly885=; no amino-acid change (glycine 885 retained).
Molecular consequence: synonymous variant.
Genome position (GRCh38, 1-based): chr10:43,120,128, G>A. VCF-style: chr10-43120128-G-A. GRCh37 (hg19) VCF-style: chr10-43615576-G-A.
Other names: c.2655G>A, p.Gly885= (NM_000323.2, NM_001406743.1, NM_001406744.1 and 4 more transcripts); c.1893G>A, p.Gly631= (NM_001355216.2); c.2526G>A, p.Gly842= (NM_001406761.1, NM_001406762.1, NM_001406764.1); c.2520G>A, p.Gly840= (NM_001406763.1, NM_001406765.1); c.2367G>A, p.Gly789= (NM_001406766.1, NM_001406767.1, NM_001406770.1); c.2391G>A, p.Gly797= (NM_001406768.1); c.2259G>A, p.Gly753= (NM_001406769.1, NM_001406772.1); c.2217G>A, p.Gly739= (NM_001406771.1, NM_001406773.1); and 10 more.
Identifiers: ClinVar variation 1108411 (VCV001108411.14), dbSNP rs2132960866, ClinGen allele CA469028800.